The following is an entry in ClinVar:

NM_018975.4(TERF2IP):c.718A>G (p.Lys240Glu)

Gene: TERF2IP (TERF2 interacting protein; plus strand). Cytogenetic location: 16q23.1.
Variant type: single nucleotide variant.
Coding change: c.718A>G on transcript NM_018975.4 (MANE Select); coding-DNA position 718, A replaced by G.
Protein change: p.Lys240Glu; replaces lysine 240 with glutamic acid.
Molecular consequence: missense variant. On other transcripts: non-coding transcript variant (1).
Genome position (GRCh38, 1-based): chr16:75,654,320, A>G. VCF-style: chr16-75654320-A-G. GRCh37 (hg19) VCF-style: chr16-75688218-A-G.
Other names: short protein forms K240E.
Identifiers: ClinVar variation 3227200 (VCV003227200.1), dbSNP rs2507086364, ClinGen allele CA396819064.

ClinVar aggregate classification (germline): Uncertain significance (1 of 4 stars; one submission).

Submission:

Ambry Genetics
Classification: Uncertain significance. Last evaluated: 2023-11-01. Review status: criteria provided, single submitter. Criteria: Ambry Variant Classification Scheme 2023. Collection method: clinical testing. Allele origin: germline.
Comment: The p.K240E variant (also known as c.718A>G), located in coding exon 2 of the TERF2IP gene, results from an A to G substitution at nucleotide position 718. The lysine at codon 240 is replaced by glutamic acid, an amino acid with similar properties. This amino acid position is conserved. In addition, this alteration is predicted to be tolerated by in silico analysis. Since supporting evidence is limited at this time, the clinical significance of this alteration remains unclear.